The following is an entry in ClinVar:

NM_001378778.1(MPDZ):c.5601+5C>G

Gene: MPDZ (multiple PDZ domain crumbs cell polarity complex component; minus strand). Cytogenetic location: 9p23.
Variant type: single nucleotide variant.
Coding change: c.5601+5C>G on transcript NM_001378778.1 (MANE Select); 5 bases into the intron after coding-DNA position 5601, C replaced by G.
Molecular consequence: intron variant.
Genome position (GRCh38, 1-based): chr9:13,113,006, G>C on the plus strand (C>G on the coding strand, the complement: MPDZ is on the minus strand). VCF-style: chr9-13113006-G-C. GRCh37 (hg19) VCF-style: chr9-13113005-G-C.
Other names: c.5502+5C>G (NM_001375418.1, NM_001261406.2, NM_001375417.1 and 1 more transcripts); c.5193+5C>G (NM_001375427.1); c.5304+5C>G (NM_001375426.1, NM_001375425.1); c.5391+5C>G (NM_001375424.1, NM_001375422.1, NM_001375420.1 and 2 more transcripts); c.5415+5C>G (NM_001261407.2, NM_001375419.1); c.5514+5C>G (NM_003829.5); c.5700+5C>G (NM_001375413.1); c.5601+5C>G (NM_001330637.2).
Identifiers: ClinVar variation 2967355 (VCV002967355.3), dbSNP rs1370779643, ClinGen allele CA860501345.
Genomic context (GRCh38, chr9:13,113,006, plus strand): 5'-GAAAACACATATGAAGATGTCTCTTAAAACGCCAGGGTTTATATTGTTTTCTCTCCCCAA[G>C]TTACCTTTTTCATTTCGACTGTTCTTAATCCCTGTATTTCAGATGCCACTGTAAAGGCAA-3'

ClinVar aggregate classification (germline): Uncertain significance (1 of 4 stars; one submission).

Allele frequency attached by ClinVar (database versions not stated): gnomAD 0.00001; TOPMed 0.00001.
gnomAD v4.1: 5 of 1,582,088 alleles (0.00032%); highest among the groups gnomAD compares: Admixed American, 0.009%; no homozygotes.

Submission:

Labcorp Genetics (formerly Invitae), Labcorp
Classification: Uncertain significance. Last evaluated: 2023-12-18. Review status: criteria provided, single submitter. Criteria: Invitae Variant Classification Sherloc (09022015). Collection method: clinical testing. Allele origin: germline.
Comment: This sequence change falls in intron 41 of the MPDZ gene. It does not directly change the encoded amino acid sequence of the MPDZ protein. It affects a nucleotide within the consensus splice site. This variant is not present in population databases (gnomAD no frequency). This variant has not been reported in the literature in individuals affected with MPDZ-related conditions. Variants that disrupt the consensus splice site are a relatively common cause of aberrant splicing (PMID: 17576681, 9536098). Algorithms developed to predict the effect of sequence changes on RNA splicing suggest that this variant is not likely to affect RNA splicing. In summary, the available evidence is currently insufficient to determine the role of this variant in disease. Therefore, it has been classified as a Variant of Uncertain Significance.

Literature cited by the submitters: PubMed 17576681; PubMed 9536098.